The following is an entry in ClinVar:

ClinVar aggregate classification (germline): Uncertain significance (1 of 4 stars; one submission).

Conditions:
Chédiak-Higashi syndrome (CHS). Also called: Chediak-Higashi Syndrome. Identifiers: Orphanet 167, MedGen C0007965, MONDO:0008963, OMIM 214500.

gnomAD v4.1: 1 of 1,614,128 alleles (0.000062%); highest among the groups gnomAD compares: Non-Finnish European, 0.000085%; no homozygotes.

Submission:

Labcorp Genetics (formerly Invitae), Labcorp
Classification: Uncertain significance for Chédiak-Higashi syndrome. Last evaluated: 2023-12-13. Review status: criteria provided, single submitter. Criteria: Invitae Variant Classification Sherloc (09022015). Collection method: clinical testing. Allele origin: germline.
Comment: This sequence change replaces valine, which is neutral and non-polar, with glycine, which is neutral and non-polar, at codon 2190 of the LYST protein (p.Val2190Gly). This variant is not present in population databases (gnomAD no frequency). This variant has not been reported in the literature in individuals affected with LYST-related conditions. Advanced modeling of protein sequence and biophysical properties (such as structural, functional, and spatial information, amino acid conservation, physicochemical variation, residue mobility, and thermodynamic stability) performed at Invitae indicates that this missense variant is not expected to disrupt LYST protein function with a negative predictive value of 80%. In summary, the available evidence is currently insufficient to determine the role of this variant in disease. Therefore, it has been classified as a Variant of Uncertain Significance.

NM_000081.4(LYST):c.6569T>G (p.Val2190Gly)

Gene: LYST (lysosomal trafficking regulator; minus strand). Cytogenetic location: 1q42.3.
Variant type: single nucleotide variant.
Coding change: c.6569T>G on transcript NM_000081.4 (MANE Select); coding-DNA position 6569, T replaced by G.
Protein change: p.Val2190Gly; replaces valine 2190 with glycine.
Molecular consequence: missense variant.
Genome position (GRCh38, 1-based): chr1:235,759,284, A>C on the plus strand (T>G on the coding strand, the complement: LYST is on the minus strand). VCF-style: chr1-235759284-A-C. GRCh37 (hg19) VCF-style: chr1-235922584-A-C.
Other names: c.6569T>G, p.Val2190Gly (NM_001301365.1); short protein forms V2190G.
Identifiers: ClinVar variation 2700436 (VCV002700436.3), dbSNP rs1417178320, ClinGen allele CA344940849.